The following is an entry in ClinVar:

ClinVar aggregate classification (germline): Conflicting classifications of pathogenicity. Review status: criteria provided, conflicting classifications (1 of 4 stars). 4 submissions from 4 submitters: Uncertain significance (3); Likely benign (1). Last evaluated 2025-05-12.

Conditions:
Intellectual disability, autosomal dominant 16 (CSS4). Also called: COFFIN-SIRIS SYNDROME 4. Identifiers: Orphanet 1465, MedGen C3553249, MONDO:0013821, OMIM 614609.
Rhabdoid tumor predisposition syndrome 2 (RTPS2). Identifiers: Orphanet 231108, Orphanet 69077, MedGen C2750074, MONDO:0013224, OMIM 613325.
Hereditary cancer-predisposing syndrome. Also called: Neoplastic Syndromes, Hereditary; Tumor predisposition; Hereditary neoplastic syndrome; Hereditary Cancer Syndrome. Identifiers: Orphanet 140162, MedGen C0027672, MeSH D009386, MONDO:0015356.

Allele frequency attached by ClinVar (database versions not stated): gnomAD exomes below 0.00001.
gnomAD v4.1: 6 of 1,613,578 alleles (0.00037%); highest among the groups gnomAD compares: Non-Finnish European, 0.00051%; no homozygotes.

Submissions (4):

Ambry Genetics
Classification: Likely benign for Hereditary cancer-predisposing syndrome. Last evaluated: 2025-05-12. Review status: criteria provided, single submitter. Criteria: Ambry Variant Classification Scheme 2023. Collection method: clinical testing. Allele origin: germline.

Labcorp Genetics (formerly Invitae), Labcorp
Classification: Uncertain significance for Rhabdoid tumor predisposition syndrome 2. Last evaluated: 2025-04-17. Review status: criteria provided, single submitter. Criteria: Invitae Variant Classification Sherloc (09022015). Collection method: clinical testing. Allele origin: germline.
Comment: This sequence change replaces serine, which is neutral and polar, with leucine, which is neutral and non-polar, at codon 1522 of the SMARCA4 protein (p.Ser1522Leu). This variant is present in population databases (no rsID available, gnomAD 0.0009%). This variant has not been reported in the literature in individuals affected with SMARCA4-related conditions. ClinVar contains an entry for this variant (Variation ID: 825005). Invitae Evidence Modeling of protein sequence and biophysical properties (such as structural, functional, and spatial information, amino acid conservation, physicochemical variation, residue mobility, and thermodynamic stability) has been performed for this missense variant. However, the output from this modeling did not meet the statistical confidence thresholds required to predict the impact of this variant on SMARCA4 protein function. In summary, the available evidence is currently insufficient to determine the role of this variant in disease. Therefore, it has been classified as a Variant of Uncertain Significance.

GeneDx
Classification: Uncertain significance. Last evaluated: 2023-05-05. Review status: criteria provided, single submitter. Criteria: GeneDx Variant Classification Process June 2021. Collection method: clinical testing. Allele origin: germline. Affected: yes.
Comment: In silico analysis supports that this missense variant has a deleterious effect on protein structure/function; Also known as p.(S1490L); Has not been previously published as pathogenic or benign to our knowledge; This variant is associated with the following publications: (PMID: 24658002)

Genome-Nilou Lab
Classification: Uncertain significance for Intellectual disability, autosomal dominant 16. Last evaluated: 2021-07-15. Review status: criteria provided, single submitter. Criteria: ACMG Guidelines, 2015. Collection method: clinical testing. Allele origin: germline. Affected: no.

NM_003072.5(SMARCA4):c.4469C>T (p.Ser1490Leu)

Gene: SMARCA4 (SWI/SNF related BAF chromatin remodeling complex subunit ATPase 4; plus strand). Cytogenetic location: 19p13.2.
Variant type: single nucleotide variant.
Coding change: c.4469C>T on transcript NM_003072.5 (MANE Select); coding-DNA position 4469, C replaced by T.
Protein change: p.Ser1490Leu; replaces serine 1490 with leucine.
Molecular consequence: missense variant. On other transcripts: non-coding transcript variant (1).
Genome position (GRCh38, 1-based): chr19:11,058,299, C>T. VCF-style: chr19-11058299-C-T. GRCh37 (hg19) VCF-style: chr19-11168975-C-T.
Other names: c.4469C>T, p.Ser1490Leu (NM_001128844.3); c.4379C>T, p.Ser1460Leu (NM_001128845.2); c.4376C>T, p.Ser1459Leu (NM_001128846.2); c.4370C>T, p.Ser1457Leu (NM_001128847.4, NM_001374457.1); c.4367C>T, p.Ser1456Leu (NM_001128848.2); c.4565C>T, p.Ser1522Leu (NM_001128849.3); short protein forms S1460L, S1457L, S1490L, S1522L, S1459L, S1456L.
Identifiers: ClinVar variation 825005 (VCV000825005.15), dbSNP rs1329240441, ClinGen allele CA404077520.